The following is an entry in ClinVar:

ClinVar aggregate classification (germline): Uncertain significance (0 of 4 stars; one submission).

Conditions:
SEMA3A-related disorder. Also called: SEMA3A-related condition.

gnomAD v4.1: 7 of 1,613,412 alleles (0.00043%); highest among the groups gnomAD compares: Non-Finnish European, 0.00059%; no homozygotes.

Submission:

PreventionGenetics, part of Exact Sciences
Classification: Uncertain significance for SEMA3A-related condition. Last evaluated: 2024-03-14. Review status: no assertion criteria provided. Collection method: clinical testing. Allele origin: germline.
Comment: The SEMA3A c.50C>A variant is predicted to result in the amino acid substitution p.Thr17Lys. To our knowledge, this variant has not been reported in the literature. This variant is reported in 0.00088% of alleles in individuals of European (Non-Finnish) descent in gnomAD. At this time, the clinical significance of this variant is uncertain due to the absence of conclusive functional and genetic evidence.

NM_006080.3(SEMA3A):c.50C>A (p.Thr17Lys)

Gene: SEMA3A (semaphorin 3A; minus strand). Cytogenetic location: 7q21.11.
Variant type: single nucleotide variant.
Coding change: c.50C>A on transcript NM_006080.3 (MANE Select); coding-DNA position 50, C replaced by A.
Protein change: p.Thr17Lys; replaces threonine 17 with lysine.
Molecular consequence: missense variant.
Genome position (GRCh38, 1-based): chr7:84,194,537, G>T on the plus strand (C>A on the coding strand, the complement: SEMA3A is on the minus strand). VCF-style: chr7-84194537-G-T. GRCh37 (hg19) VCF-style: chr7-83823853-G-T.
Other names: short protein forms T17K.
Identifiers: ClinVar variation 3348584 (VCV003348584.1).